The following is an entry in ClinVar:

NM_025132.4(WDR19):c.1746C>T (p.Tyr582=)

Gene: WDR19 (WD repeat domain 19; plus strand). Cytogenetic location: 4p14.
Variant type: single nucleotide variant.
Coding change: c.1746C>T on transcript NM_025132.4 (MANE Select); coding-DNA position 1746, C replaced by T.
Protein change: p.Tyr582=; no amino-acid change (tyrosine 582 retained).
Molecular consequence: synonymous variant.
Genome position (GRCh38, 1-based): chr4:39,228,326, C>T. VCF-style: chr4-39228326-C-T. GRCh37 (hg19) VCF-style: chr4-39229946-C-T.
Other names: c.1266C>T, p.Tyr422= (NM_001317924.2).
Identifiers: ClinVar variation 2056401 (VCV002056401.29), dbSNP rs539697450, ClinGen allele CA2891917.

ClinVar aggregate classification (germline): Likely benign. Review status: criteria provided, multiple submitters, no conflicts (2 of 4 stars). 3 submissions from 3 submitters: Likely benign (3). Last evaluated 2026-01-18.

Conditions:
Senior-Loken syndrome 8 (SLSN8). Identifiers: Orphanet 3156, MedGen C4225376, MONDO:0014579, OMIM 616307.
Asphyxiating thoracic dystrophy 5 (SRTD5). Also called: SHORT-RIB THORACIC DYSPLASIA 5 WITH OR WITHOUT POLYDACTYLY; SHORT-RIB THORACIC DYSPLASIA 5 WITHOUT POLYDACTYLY. Identifiers: Orphanet 474, MedGen C3280598, MONDO:0013717, OMIM 614376.

Allele frequency attached by ClinVar (database versions not stated): TOPMed below 0.00001; gnomAD 0.00001; 1000 Genomes Project 30x 0.00016; 1000 Genomes Project 0.00020.
gnomAD v4.1: 38 of 1,612,052 alleles (0.0024%); highest among the groups gnomAD compares: South Asian, 0.04%; no homozygotes.

Submissions (3):

Labcorp Genetics (formerly Invitae), Labcorp
Classification: Likely benign for Senior-Loken syndrome 8; Asphyxiating thoracic dystrophy 5. Last evaluated: 2026-01-18. Review status: criteria provided, single submitter. Criteria: Invitae Variant Classification Sherloc (09022015). Collection method: clinical testing. Allele origin: germline.

CeGaT Center for Human Genetics Tuebingen
Classification: Likely benign. Last evaluated: 2023-06-01. Review status: criteria provided, single submitter. Criteria: CeGaT Center For Human Genetics Tuebingen Variant Classification Criteria Version 2. Collection method: clinical testing. Allele origin: germline. Affected: yes. Observed: 1 variant allele.
Comment: WDR19: BP4, BP7

Blueprint Genetics
Classification: Likely benign. Last evaluated: 2023-03-31. Review status: criteria provided, single submitter. Criteria: ACMG Guidelines, 2015. Collection method: clinical testing. Allele origin: germline.